The following is an entry in ClinVar:

NM_018669.6(WDR4):c.721C>T (p.Pro241Ser)

Gene: WDR4 (WDR4 tRNA N7-guanosine methyltransferase non-catalytic subunit; minus strand). Cytogenetic location: 21q22.3.
Variant type: single nucleotide variant.
Coding change: c.721C>T on transcript NM_018669.6 (MANE Select); coding-DNA position 721, C replaced by T.
Protein change: p.Pro241Ser; replaces proline 241 with serine.
Molecular consequence: missense variant. On other transcripts: non-coding transcript variant (1).
Genome position (GRCh38, 1-based): chr21:42,855,687, G>A on the plus strand (C>T on the coding strand, the complement: WDR4 is on the minus strand). VCF-style: chr21-42855687-G-A. GRCh37 (hg19) VCF-style: chr21-44275797-G-A.
Other names: c.721C>T, p.Pro241Ser (NM_001260474.2, NM_033661.5); c.283C>T, p.Pro95Ser (NM_001260475.2, NM_001260476.2, NM_001260477.2 and 1 more transcripts); short protein forms P241S, P95S.
Identifiers: ClinVar variation 1975107 (VCV001975107.2), dbSNP rs752220316, ClinGen allele CA10045990.

ClinVar aggregate classification (germline): Uncertain significance (1 of 4 stars; one submission).

Allele frequency attached by ClinVar (database versions not stated): gnomAD 0.00001; gnomAD exomes 0.00001; TOPMed 0.00002; ExAC 0.00006.

Submission:

Labcorp Genetics (formerly Invitae), Labcorp
Classification: Uncertain significance. Last evaluated: 2022-06-22. Review status: criteria provided, single submitter. Criteria: Invitae Variant Classification Sherloc (09022015). Collection method: clinical testing. Allele origin: germline.
Comment: This sequence change replaces proline, which is neutral and non-polar, with serine, which is neutral and polar, at codon 241 of the WDR4 protein (p.Pro241Ser). This variant is present in population databases (rs752220316, gnomAD 0.01%). This variant has not been reported in the literature in individuals affected with WDR4-related conditions. Algorithms developed to predict the effect of missense changes on protein structure and function (SIFT, PolyPhen-2, Align-GVGD) all suggest that this variant is likely to be tolerated. In summary, the available evidence is currently insufficient to determine the role of this variant in disease. Therefore, it has been classified as a Variant of Uncertain Significance.